The following is an entry in ClinVar:

NM_014425.5(INVS):c.615+1G>A

Gene: INVS (inversin; plus strand). Cytogenetic location: 9q31.1.
Variant type: single nucleotide variant.
Coding change: c.615+1G>A on transcript NM_014425.5 (MANE Select); the canonical splice donor site of the intron after coding-DNA position 615, G replaced by A.
Molecular consequence: splice donor variant.
Genome position (GRCh38, 1-based): chr9:100,229,828, G>A. VCF-style: chr9-100229828-G-A. GRCh37 (hg19) VCF-style: chr9-102992110-G-A.
Other names: NM_183245.2:c.615+1G>A; c.327+1G>A (NM_001318381.2); c.-375+1G>A (NM_001318382.2).
Identifiers: ClinVar variation 667423 (VCV000667423.14), dbSNP rs955421639, ClinGen allele CA197185327.

ClinVar aggregate classification (germline): Likely pathogenic. Review status: criteria provided, multiple submitters, no conflicts (2 of 4 stars). 2 submissions from 2 submitters: Likely pathogenic (2). Last evaluated 2023-12-07.

Conditions:
Nephronophthisis. Also called: Juvenile Nephronophthisis. Identifiers: Orphanet 655, MedGen C0687120, MONDO:0019005, HP:0000090.

Allele frequency attached by ClinVar (database versions not stated): TOPMed 0.00001.
gnomAD v4.1: 10 of 1,613,984 alleles (0.00062%); highest among the groups gnomAD compares: Non-Finnish European, 0.00085%; no homozygotes.

Submissions (2):

Labcorp Genetics (formerly Invitae), Labcorp
Classification: Likely pathogenic for Nephronophthisis. Last evaluated: 2023-12-07. Review status: criteria provided, single submitter. Criteria: Invitae Variant Classification Sherloc (09022015). Collection method: clinical testing. Allele origin: germline.
Comment: This sequence change affects a donor splice site in intron 5 of the INVS gene. It is expected to disrupt RNA splicing. Variants that disrupt the donor or acceptor splice site typically lead to a loss of protein function (PMID: 16199547), and loss-of-function variants in INVS are known to be pathogenic (PMID: 12872123). This variant is not present in population databases (gnomAD no frequency). Disruption of this splice site has been observed in individual(s) with nephronophthisis (PMID: 19177160). ClinVar contains an entry for this variant (Variation ID: 667423). Algorithms developed to predict the effect of sequence changes on RNA splicing suggest that this variant may disrupt the consensus splice site. In summary, the currently available evidence indicates that the variant is pathogenic, but additional data are needed to prove that conclusively. Therefore, this variant has been classified as Likely Pathogenic.

Laboratory for Molecular Medicine, Mass General Brigham Personalized Medicine
Classification: Likely pathogenic for Nephronophthisis. Last evaluated: 2018-02-02. Review status: criteria provided, single submitter. Criteria: LMM Criteria. Collection method: clinical testing. Allele origin: germline. Observed: 1 variant allele.
Comment: The c.615+1G>A variant in INVS has been reported, in the compound heterozygous s tate, in 1 individual with clinical features of infantile nephronophthisis (Tory 2009) and was absent from large population studies. This variant occurs in the invariant region (+/- 1,2) of the splice consensus sequence and is predicted to cause altered splicing leading to an abnormal or absent protein. In summary, alt hough additional studies are required to fully establish its clinical significan ce, the c.615+1G>A variant in INVS is likely pathogenic. ACMG/AMP Criteria appli ed: PM2, PM3, PVS1_Strong (Richards 2015).

Literature cited by the submitters: PubMed 16199547 (cited by Labcorp Genetics (formerly Invitae), Labcorp); PubMed 12872123 (cited by Labcorp Genetics (formerly Invitae), Labcorp); PubMed 19177160 (cited by Labcorp Genetics (formerly Invitae), Labcorp and Laboratory for Molecular Medicine, Mass General Brigham Personalized Medicine).